The following is an entry in ClinVar:

NM_001267550.2(TTN):c.89197+5G>A

Genes: TTN-AS1 (TTN antisense RNA 1; plus strand), TTN (titin; minus strand). Cytogenetic location: 2q31.2.
Variant type: single nucleotide variant.
Coding change: c.89197+5G>A on transcript NM_001267550.2 (MANE Select); 5 bases into the intron after coding-DNA position 89197, G replaced by A.
Molecular consequence: intron variant.
Genome position (GRCh38, 1-based): chr2:178,553,909, C>T on the plus strand (G>A on the coding strand, the complement: TTN is on the minus strand). VCF-style: chr2-178553909-C-T. GRCh37 (hg19) VCF-style: chr2-179418636-C-T.
Other names: c.62002+5G>A (NM_003319.4); c.62578+5G>A (NM_133437.4); c.62377+5G>A (NM_133432.3); c.81493+5G>A (NM_133378.4); c.84274+5G>A (NM_001256850.1).
Identifiers: ClinVar variation 405028 (VCV000405028.8), dbSNP rs1060500534, ClinGen allele CA16610344.

ClinVar aggregate classification (germline): Uncertain significance. Review status: criteria provided, multiple submitters, no conflicts (2 of 4 stars). 2 submissions from 2 submitters: Uncertain significance (2). Last evaluated 2025-05-21.

Conditions:
Dilated cardiomyopathy 1G (CMD1G). Identifiers: Orphanet 154, MedGen C1858763, MONDO:0011400, OMIM 604145.
Autosomal recessive limb-girdle muscular dystrophy type 2J (LGMDR10). Also called: Limb-girdle muscular dystrophy, type 2J; MUSCULAR DYSTROPHY, LIMB-GIRDLE, AUTOSOMAL RECESSIVE 10. Identifiers: Orphanet 140922, MedGen C1837342, MONDO:0012127, OMIM 608807.
Cardiovascular phenotype. Identifiers: MedGen CN230736.

Submissions (2):

Ambry Genetics
Classification: Uncertain significance for Cardiovascular phenotype. Last evaluated: 2025-05-21. Review status: criteria provided, single submitter. Criteria: Ambry Variant Classification Scheme 2023. Collection method: clinical testing. Allele origin: germline.
Comment: The c.62002+5G>A intronic variant results from a G to A substitution 5 nucleotides after coding exon 160 in the TTN gene. This nucleotide position is well conserved in available vertebrate species. In silico splice site analysis predicts that this alteration may weaken the native splice donor site. Based on the available evidence, the clinical significance of this variant remains unclear.

Labcorp Genetics (formerly Invitae), Labcorp
Classification: Uncertain significance for Dilated cardiomyopathy 1G; Autosomal recessive limb-girdle muscular dystrophy type 2J. Last evaluated: 2017-04-21. Review status: criteria provided, single submitter. Criteria: Invitae Variant Classification Sherloc (09022015). Collection method: clinical testing. Allele origin: germline.
Comment: This variant is not present in population databases (ExAC no frequency) and has not been reported in the literature in individuals with a TTN-related disease. This variant affects a highly conserved nucleotide within the consensus splice site of intron 333. The majority of introns (75%) have a G at this position (PMID: 9536098) Nucleotide substitutions at the +5 position of the intron are relatively common causes of aberrant splicing (PMID: 17576681) but according to multiple splice site algorithms this particular variant is not predicted to significantly affect splicing. These predictions have not been confirmed by published functional studies. In summary, this is a novel variant which affects a conserved consensus splice site, but it is not predicted to affect splicing, for these reasons it has been classified as a Variant of Uncertain Significance.

Literature cited by the submitters: PubMed 9536098 (cited by Labcorp Genetics (formerly Invitae), Labcorp); PubMed 17576681 (cited by Labcorp Genetics (formerly Invitae), Labcorp).